The following is an entry in ClinVar:

ClinVar aggregate classification (germline): Pathogenic. Review status: no assertion criteria provided (0 of 4 stars). 2 submissions from 2 submitters: Pathogenic (1). 1 of the submissions does not count toward it. Last evaluated 2001-11-27.

Conditions:
Episodic ataxia type 2 (EA2). Also called: EPISODIC ATAXIA, NYSTAGMUS-ASSOCIATED; ACETAZOLAMIDE-RESPONSIVE HEREDITARY PAROXYSMAL CEREBELLAR ATAXIA; ATAXIA, EPISODIC, WITH NYSTAGMUS; ATAXIA, FAMILIAL PAROXYSMAL; CEREBELLAR ATAXIA, PAROXYSMAL, ACETAZOLAMIDE-RESPONSIVE; CEREBELLOPATHY, HEREDITARY PAROXYSMAL. Identifiers: Orphanet 97, MedGen C1720416, MONDO:0007163, OMIM 108500.

Submissions (2):

OMIM
Classification: Pathogenic for EPISODIC ATAXIA, TYPE 2. Last evaluated: 2001-11-27. Review status: no assertion criteria provided. Collection method: literature only. Allele origin: germline.

UniProtKB/Swiss-Prot
No classification provided. Condition: Episodic ataxia type 2. Review status: no classification provided. Collection method: not provided. Allele origin: not provided. Not counted in ClinVar's aggregate classification.
Comment: Variant designated as F1406C in the literature

Literature cited by the submitters: PubMed 11723274 (cited by OMIM).

NM_001127222.2(CACNA1A):c.4205T>G (p.Phe1402Cys)

Genes: CACNA1A (calcium voltage-gated channel subunit alpha1 A; minus strand), LOC126862864 (MED14-independent group 3 enhancer GRCh37_chr19:13371552-13372751; plus strand). Cytogenetic location: 19p13.13.
Variant type: single nucleotide variant.
Coding change: c.4205T>G on transcript NM_001127222.2 (MANE Select); coding-DNA position 4205, T replaced by G.
Protein change: p.Phe1402Cys; replaces phenylalanine 1402 with cysteine.
Molecular consequence: missense variant.
Genome position (GRCh38, 1-based): chr19:13,261,495, A>C on the plus strand (T>G on the coding strand, the complement: CACNA1A is on the minus strand). VCF-style: chr19-13261495-A-C. GRCh37 (hg19) VCF-style: chr19-13372309-A-C.
Other names: 4486T>G; 4453T>G; F1404C; c.4217T>G, p.Phe1406Cys (NM_000068.4, NM_023035.3); c.4208T>G, p.Phe1403Cys (NM_001127221.2, NM_001174080.2); short protein forms F1406C, F1402C, F1403C.
Identifiers: ClinVar variation 8508 (VCV000008508.2), dbSNP rs121908227, ClinGen allele CA254482.
Genomic context (GRCh38, chr19:13,261,495, plus strand): 5'-AAAGTGGAGACCCACCGACAATCTTTCTCAAACTCTTTGGACTCGTCAGTGCAGTGGAAG[A>C]ATTTCCCCTTGAAGAGCTGCACAGCCACCACGGCGAAGATGAACATGAATAGCATGTAGA-3'
Protein context (NP_001120694.1, residues 1392-1412): VVAVQLFKGK[Phe1402Cys]FHCTDESKEF